The following is an entry in ClinVar:

ClinVar aggregate classification (germline): Uncertain significance (1 of 4 stars; one submission).

Conditions:
Intellectual disability-microcephaly-strabismus-behavioral abnormalities syndrome. Also called: White-Sutton Syndrome. Identifiers: Orphanet 468678, MedGen C4225351, MONDO:0014606, OMIM 616364.

Submission:

Victorian Clinical Genetics Services, Murdoch Childrens Research Institute
Classification: Uncertain significance for Intellectual disability-microcephaly-strabismus-behavioral abnormalities syndrome. Last evaluated: 2025-04-02. Review status: criteria provided, single submitter. Criteria: ACMG Guidelines, 2015. Collection method: clinical testing. Allele origin: germline. Affected: yes.
Comment: This variant is classified as VUS-3C. Evidence in support of pathogenic classification: Non-canonical splice site variant without proven consequence on splicing (no functional evidence available); Variant is absent from gnomAD (v2, v3 and v4). Evidence in support of benign classification: Abnormal splicing is not predicted and nucleotide is poorly conserved. Additional information: This variant is heterozygous; This gene is associated with autosomal dominant disease; Alternative nucleotide change(s) at the same splice site are present in gnomAD (Highest allele count: v4: 1 heterozygote(s), 0 homozygote(s)); This variant has no previous evidence of pathogenicity; No published segregation evidence has been identified for this variant; No published functional evidence has been identified for this variant; No comparable splice site variants have previous evidence for pathogenicity; Loss of function is a known mechanism of disease in this gene and is associated with White-Sutton syndrome (MIM#616364); Inheritance information for this variant is not currently available in this individual.

NM_015100.4(POGZ):c.2062-6TC[3]

Gene: POGZ (pogo transposable element derived with ZNF domain; minus strand). Cytogenetic location: 1q21.3.
Variant type: Microsatellite.
Coding change: c.2062-6TC[3] on transcript NM_015100.4 (MANE Select); three copies in a row of the 2-base unit TC starting at c.2062-6; the reference has two copies in a row; one copy, 2 bases duplicated.
Molecular consequence: intron variant.
Genome position (GRCh38, 1-based): chr1:151,408,584-151,408,585, GA duplicated on the plus strand (TC on the coding strand, the reverse complement: POGZ is on the minus strand); duplicating any 2 consecutive bases within chr1:151,408,584-151,408,587 gives the same sequence; the position shown is the placement nearest the transcript's 3' end. VCF-style (leftmost placement, unchanged base first): chr1-151408583-T-TGA. GRCh37 (hg19) VCF-style: chr1-151381059-T-TGA.
Other names: c.1876-6TC[3] (NM_001194938.2); c.1777-6TC[3] (NM_145796.4); c.2035-6TC[3] (NM_001194937.2); c.2083-6TC[3] (NM_001410860.1); c.1903-6TC[3] (NM_207171.2); c.2062-4_2062-3dup (NM_015100.4).
Identifiers: ClinVar variation 4531942 (VCV004531942.1).